The following is an entry in ClinVar:

NM_198241.3(EIF4G1):c.3122-3C>T

Gene: EIF4G1 (eukaryotic translation initiation factor 4 gamma 1; plus strand). Cytogenetic location: 3q27.1.
Variant type: single nucleotide variant.
Coding change: c.3122-3C>T on transcript NM_198241.3 (MANE Select); 3 bases into the intron before coding-DNA position 3122, C replaced by T.
Molecular consequence: intron variant.
Genome position (GRCh38, 1-based): chr3:184,325,848, C>T. VCF-style: chr3-184325848-C-T. GRCh37 (hg19) VCF-style: chr3-184043636-C-T.
Other names: NC_000003.11:g.184043636C>T; p.?; c.3002-3C>T (NM_001291157.2); c.3143-3C>T (NM_001194946.2, NM_001194947.2); c.2861-3C>T (NM_198244.3); c.2630-3C>T (NM_198242.3); c.3125-3C>T (NM_182917.4); c.2537-3C>T (NM_004953.5).
Identifiers: ClinVar variation 780901 (VCV000780901.6), dbSNP rs114615711, ClinGen allele CA2732699.

ClinVar aggregate classification (germline): Benign. Review status: criteria provided, multiple submitters, no conflicts (2 of 4 stars). 2 submissions from 2 submitters: Benign (2). Last evaluated 2024-06-04.

Allele frequency attached by ClinVar (database versions not stated): TOPMed 0.01068; 1000 Genomes Project 0.01338; 1000 Genomes Project 30x 0.01374; gnomAD exomes 0.00104 and 0.00247; ExAC 0.00325; ESP Exome Variant Server 0.00969; gnomAD 0.00985 and 0.01046.
gnomAD v4.1: 3,082 of 1,613,992 alleles (0.19%); highest among the groups gnomAD compares: African/African-American, 3.5%; 49 homozygotes.

Submissions (5):

Mayo Clinic Laboratories, Mayo Clinic
Classification: Benign. Last evaluated: 2024-06-04. Review status: criteria provided, single submitter. Criteria: ACMG Guidelines, 2015. Collection method: clinical testing. Allele origin: germline. Observed: 2 variant alleles.
Comment: BS1, BS2, BP4, BP7

Labcorp Genetics (formerly Invitae), Labcorp
Classification: Benign. Last evaluated: 2019-12-31. Review status: criteria provided, single submitter. Criteria: Invitae Variant Classification Sherloc (09022015). Collection method: clinical testing. Allele origin: germline.

Dr. Peter K. Rogan Lab, Western University
No classification provided (evidence only). Condition: Uterine corpus endometrial carcinoma. Review status: no classification provided. Collection method: in vitro. Allele origin: not applicable. Functional consequence: retained intron. Not counted in ClinVar's aggregate classification.

Dr. Peter K. Rogan Lab, Western University
No classification provided (evidence only). Condition: Uterine corpus endometrial carcinoma. Review status: no classification provided. Collection method: in vitro. Allele origin: not applicable. Functional consequence: retained intron. Not counted in ClinVar's aggregate classification.

Dr. Peter K. Rogan Lab, Western University
No classification provided (evidence only). Condition: Cervical cancer. Review status: no classification provided. Collection method: in vitro. Allele origin: not applicable. Functional consequence: skipped exon. Not counted in ClinVar's aggregate classification.